The following is an entry in ClinVar:

NM_005045.4(RELN):c.3095A>C (p.Gln1032Pro)

Gene: RELN (reelin; minus strand). Cytogenetic location: 7q22.1.
Variant type: single nucleotide variant.
Coding change: c.3095A>C on transcript NM_005045.4 (MANE Select); coding-DNA position 3095, A replaced by C.
Protein change: p.Gln1032Pro; replaces glutamine 1032 with proline.
Molecular consequence: missense variant.
Genome position (GRCh38, 1-based): chr7:103,604,397, T>G on the plus strand (A>C on the coding strand, the complement: RELN is on the minus strand). VCF-style: chr7-103604397-T-G. GRCh37 (hg19) VCF-style: chr7-103244844-T-G.
Other names: c.3095A>C, p.Gln1032Pro (NM_173054.3); short protein forms Q1032P.
Identifiers: ClinVar variation 1717229 (VCV001717229.5), dbSNP rs2484737318, ClinGen allele CA368763743.

ClinVar aggregate classification (germline): Uncertain significance (1 of 4 stars; one submission).

Conditions:
Norman-Roberts syndrome (LIS2). Also called: Lissencephaly 2 (Norman-Roberts type). Identifiers: Orphanet 89844, MedGen C0796089, MONDO:0009760, OMIM 257320.
Familial temporal lobe epilepsy 7. Identifiers: Orphanet 101046, MedGen C4225327, MONDO:0014639, OMIM 616436.

Submission:

Labcorp Genetics (formerly Invitae), Labcorp
Classification: Uncertain significance for Familial temporal lobe epilepsy 7; Norman-Roberts syndrome. Last evaluated: 2022-08-20. Review status: criteria provided, single submitter. Criteria: Invitae Variant Classification Sherloc (09022015). Collection method: clinical testing. Allele origin: germline.
Comment: This sequence change replaces glutamine, which is neutral and polar, with proline, which is neutral and non-polar, at codon 1032 of the RELN protein (p.Gln1032Pro). In summary, the available evidence is currently insufficient to determine the role of this variant in disease. Therefore, it has been classified as a Variant of Uncertain Significance. Algorithms developed to predict the effect of missense changes on protein structure and function are either unavailable or do not agree on the potential impact of this missense change (SIFT: "Deleterious"; PolyPhen-2: "Possibly Damaging"; Align-GVGD: "Class C0"). This variant has not been reported in the literature in individuals affected with RELN-related conditions. This variant is not present in population databases (gnomAD no frequency).